The following is an entry in ClinVar:

ClinVar aggregate classification (germline): Uncertain significance. Review status: criteria provided, multiple submitters, no conflicts (2 of 4 stars). 3 submissions from 3 submitters: Uncertain significance (3). Last evaluated 2025-06-18.

Conditions:
Cardiomyopathy (CMYO). Also called: Cardiomyopathies. Identifiers: Orphanet 167848, MedGen C0878544, MONDO:0004994, HP:0001638. Inheritance: Various modes of inheritance.
Arrhythmogenic right ventricular cardiomyopathy (ARVD). Also called: Cardiomyopathy, ARVC; Arrhythmogenic right ventricular dysplasia; Arrhythmogenic cardiomyopathy; Arrhythmogenic Right Ventricular Cardiomyopathy (ARVC). Identifiers: Orphanet 247, MedGen C0349788, MeSH D019571, MONDO:0016587. Disease mechanism: loss of function. Inheritance: Various modes of inheritance.
Arrhythmogenic right ventricular dysplasia 9 (ARVD9). Also called: Arrhythmogenic Right Ventricular Dysplasia/Cardiomyopathy 9; ARRHYTHMOGENIC RIGHT VENTRICULAR DYSPLASIA, FAMILIAL, 9. Identifiers: MedGen C1836906, MONDO:0012180, OMIM 609040.

Allele frequency attached by ClinVar (database versions not stated): ExAC 0.00002; 1000 Genomes Project 0.00020.

Submissions (3):

Labcorp Genetics (formerly Invitae), Labcorp
Classification: Uncertain significance for Arrhythmogenic right ventricular dysplasia 9. Last evaluated: 2025-06-18. Review status: criteria provided, single submitter. Criteria: Invitae Variant Classification Sherloc (09022015). Collection method: clinical testing. Allele origin: germline.
Comment: This sequence change replaces proline, which is neutral and non-polar, with leucine, which is neutral and non-polar, at codon 481 of the PKP2 protein (p.Pro481Leu). This variant is not present in population databases (gnomAD no frequency). This variant has not been reported in the literature in individuals affected with PKP2-related conditions. ClinVar contains an entry for this variant (Variation ID: 999792). An algorithm developed to predict the effect of missense changes on protein structure and function (PolyPhen-2) suggests that this variant is likely to be tolerated. In summary, the available evidence is currently insufficient to determine the role of this variant in disease. Therefore, it has been classified as a Variant of Uncertain Significance.

All of Us Research Program, National Institutes of Health
Classification: Uncertain significance for Arrhythmogenic right ventricular cardiomyopathy. Last evaluated: 2023-12-13. Review status: criteria provided, single submitter. Criteria: ACMG Guidelines, 2015. Collection method: clinical testing. Allele origin: germline. Inheritance: Autosomal dominant inheritance. Observed: 4 variant alleles, 4 heterozygotes.
Comment: This missense variant replaces proline with leucine at codon 481 of the PKP2 protein. Computational prediction suggests that this variant may not impact protein structure and function (internally defined REVEL score threshold <= 0.5, PMID: 27666373). To our knowledge, functional studies have not been reported for this variant. This variant has not been reported in individuals affected with PKP2-related disorders in the literature. This variant has not been identified in the general population by the Genome Aggregation Database (gnomAD). The available evidence is insufficient to determine the role of this variant in disease conclusively. Therefore, this variant is classified as a Variant of Uncertain Significance.

This study involves interpretation of variants in research participants for the purpose of population health screening. Participant phenotype was not available at the time of variant classification. Additional details can be found in publication PMID: 35346344, PMCID: PMC8962531

Color Diagnostics, LLC DBA Color Health
Classification: Uncertain significance for Cardiomyopathy. Last evaluated: 2023-11-10. Review status: criteria provided, single submitter. Criteria: ACMG Guidelines, 2015. Collection method: clinical testing. Allele origin: germline.
Comment: This missense variant replaces proline with leucine at codon 481 of the PKP2 protein. Computational prediction suggests that this variant may not impact protein structure and function. To our knowledge, functional studies have not been reported for this variant. This variant has been reported in an individual affected with dilated cardiomyopathy (PMID: 31983221). This variant has not been identified in the general population by the Genome Aggregation Database (gnomAD). The available evidence is insufficient to determine the role of this variant in disease conclusively. Therefore, this variant is classified as a Variant of Uncertain Significance.

Literature cited by the submitters: PubMed 31983221 (cited by Color Diagnostics, LLC DBA Color Health).

NM_001005242.3(PKP2):c.1379-2045C>T

Gene: PKP2 (plakophilin 2; minus strand). Cytogenetic location: 12p11.21.
Variant type: single nucleotide variant.
Coding change: c.1379-2045C>T on transcript NM_001005242.3 (MANE Select); 2045 bases into the intron before coding-DNA position 1379, C replaced by T.
Molecular consequence: intron variant. On other transcripts: missense variant (1).
Genome position (GRCh38, 1-based): chr12:32,843,250, G>A on the plus strand (C>T on the coding strand, the complement: PKP2 is on the minus strand). VCF-style: chr12-32843250-G-A. GRCh37 (hg19) VCF-style: chr12-32996184-G-A.
Other names: c.1442C>T, p.Pro481Leu (NM_004572.4); short protein forms P481L.
Identifiers: ClinVar variation 999792 (VCV000999792.6), dbSNP rs557373206, ClinGen allele CA028347.